The following is an entry in ClinVar:

NM_015570.4(AUTS2):c.2855C>A (p.Ala952Asp)

Gene: AUTS2 (activator of transcription and developmental regulator AUTS2; plus strand). Cytogenetic location: 7q11.22.
Variant type: single nucleotide variant.
Coding change: c.2855C>A on transcript NM_015570.4 (MANE Select); coding-DNA position 2855, C replaced by A.
Protein change: p.Ala952Asp; replaces alanine 952 with aspartic acid.
Molecular consequence: missense variant.
Genome position (GRCh38, 1-based): chr7:70,790,071, C>A. VCF-style: chr7-70790071-C-A. GRCh37 (hg19) VCF-style: chr7-70255057-C-A.
Other names: c.2783C>A, p.Ala928Asp (NM_001127231.3); short protein forms A952D, A928D.
Identifiers: ClinVar variation 2085359 (VCV002085359.3), dbSNP rs779458839, ClinGen allele CA4281205.
Genomic context (GRCh38, chr7:70,790,071, plus strand): 5'-AGGCCAAGCAGCTGGCCCGGGTGCCGTCTCCCTACGTGCGGACCCCGGTGGTGGAGAGTG[C>A]CAGGCCCAACAGCACCTCGAGCCGGGAGGCCGAGCCGCGCAAGGGTGAGCCGGCCTACGA-3'
Protein context (NP_056385.1, residues 942-962): PYVRTPVVES[Ala952Asp]RPNSTSSREA

ClinVar aggregate classification (germline): Uncertain significance (1 of 4 stars; one submission).

Allele frequency attached by ClinVar (database versions not stated): gnomAD 0.00002; TOPMed 0.00006.
gnomAD v4.1: 68 of 1,576,802 alleles (0.0043%); highest among the groups gnomAD compares: Non-Finnish European, 0.0055%; no homozygotes.

Submission:

Labcorp Genetics (formerly Invitae), Labcorp
Classification: Uncertain significance. Last evaluated: 2022-03-13. Review status: criteria provided, single submitter. Criteria: Invitae Variant Classification Sherloc (09022015). Collection method: clinical testing. Allele origin: germline.
Comment: This variant has not been reported in the literature in individuals affected with AUTS2-related conditions. This sequence change replaces alanine, which is neutral and non-polar, with aspartic acid, which is acidic and polar, at codon 952 of the AUTS2 protein (p.Ala952Asp). This variant is present in population databases (rs779458839, gnomAD 0.01%). Algorithms developed to predict the effect of missense changes on protein structure and function (SIFT, PolyPhen-2, Align-GVGD) all suggest that this variant is likely to be tolerated. In summary, the available evidence is currently insufficient to determine the role of this variant in disease. Therefore, it has been classified as a Variant of Uncertain Significance.